The following is an entry in ClinVar:

NM_000059.4(BRCA2):c.1256G>A (p.Cys419Tyr)

Gene: BRCA2 (BRCA2 DNA repair associated; plus strand). Cytogenetic location: 13q13.1.
Variant type: single nucleotide variant.
Coding change: c.1256G>A on transcript NM_000059.4 (MANE Select); coding-DNA position 1256, G replaced by A.
Protein change: p.Cys419Tyr; replaces cysteine 419 with tyrosine.
Molecular consequence: missense variant. On other transcripts: non-coding transcript variant (1), intron variant (1).
Genome position (GRCh38, 1-based): chr13:32,332,734, G>A. VCF-style: chr13-32332734-G-A. GRCh37 (hg19) VCF-style: chr13-32906871-G-A.
Other names: c.1256G>A, p.Cys419Tyr (NM_001406719.1, NM_001406720.1, NM_001406721.1 and 1 more transcripts); c.424+1704G>A (NM_001406722.1); short protein forms C419Y.
Identifiers: ClinVar variation 3825341 (VCV003825341.2).

ClinVar aggregate classification (germline): Conflicting classifications of pathogenicity. Review status: criteria provided, conflicting classifications (1 of 4 stars). 2 submissions from 2 submitters: Uncertain significance (1); Likely benign (1). Last evaluated 2025-05-18.

Conditions:
Hereditary cancer-predisposing syndrome. Also called: Hereditary neoplastic syndrome; Neoplastic Syndromes, Hereditary; Tumor predisposition; Hereditary Cancer Syndrome. Identifiers: Orphanet 140162, MedGen C0027672, MeSH D009386, MONDO:0015356.
Hereditary breast ovarian cancer syndrome. Also called: Hereditary breast and ovarian cancer syndrome; BRCA1- and BRCA2-Associated Hereditary Breast and Ovarian Cancer; Hereditary breast and ovarian cancer; Hereditary breast and ovarian cancer syndrome (HBOC); Breast and ovarian cancer; Hereditary breast and/or ovarian cancer syndrome. Identifiers: Orphanet 145, MedGen C0677776, MeSH D061325, MONDO:0003582. Disease mechanism: loss of function.

Submissions (2):

Labcorp Genetics (formerly Invitae), Labcorp
Classification: Uncertain significance for Hereditary breast ovarian cancer syndrome. Last evaluated: 2025-05-18. Review status: criteria provided, single submitter. Criteria: Invitae Variant Classification Sherloc (09022015). Collection method: clinical testing. Allele origin: germline.
Comment: This sequence change replaces cysteine, which is neutral and slightly polar, with tyrosine, which is neutral and polar, at codon 419 of the BRCA2 protein (p.Cys419Tyr). This variant is not present in population databases (gnomAD no frequency). This variant has not been reported in the literature in individuals affected with BRCA2-related conditions. ClinVar contains an entry for this variant (Variation ID: 3825341). Invitae Evidence Modeling of protein sequence and biophysical properties (such as structural, functional, and spatial information, amino acid conservation, physicochemical variation, residue mobility, and thermodynamic stability) indicates that this missense variant is not expected to disrupt BRCA2 protein function with a negative predictive value of 95%. In summary, the available evidence is currently insufficient to determine the role of this variant in disease. Therefore, it has been classified as a Variant of Uncertain Significance.

Ambry Genetics
Classification: Likely benign for Hereditary cancer-predisposing syndrome. Last evaluated: 2025-02-26. Review status: criteria provided, single submitter. Criteria: Ambry Variant Classification Scheme 2023. Collection method: clinical testing. Allele origin: germline.